The following is an entry in ClinVar:

NM_006907.4(PYCR1):c.39T>G (p.Phe13Leu)

Gene: PYCR1 (pyrroline-5-carboxylate reductase 1; minus strand). Cytogenetic location: 17q25.3.
Variant type: single nucleotide variant.
Coding change: c.39T>G on transcript NM_006907.4 (MANE Select); coding-DNA position 39, T replaced by G.
Protein change: p.Phe13Leu; replaces phenylalanine 13 with leucine.
Molecular consequence: missense variant.
Genome position (GRCh38, 1-based): chr17:81,936,776, A>C on the plus strand (T>G on the coding strand, the complement: PYCR1 is on the minus strand). VCF-style: chr17-81936776-A-C. GRCh37 (hg19) VCF-style: chr17-79894652-A-C.
Other names: c.39T>G, p.Phe13Leu (NM_001282279.2, NM_001282280.2, NM_001330523.2 and 1 more transcripts); c.120T>G, p.Phe40Leu (NM_001282281.2); c.39T>G (NM_006907.2); short protein forms F40L, F13L.
Identifiers: ClinVar variation 2189851 (VCV002189851.4), dbSNP rs546125979, ClinGen allele CA8845612.

ClinVar aggregate classification (germline): Uncertain significance. Review status: criteria provided, multiple submitters, no conflicts (2 of 4 stars). 2 submissions from 2 submitters: Uncertain significance (2). Last evaluated 2025-04-07.

Conditions:
Inborn genetic diseases. Identifiers: MedGen C0950123, MeSH D030342.

Allele frequency attached by ClinVar (database versions not stated): 1000 Genomes Project 30x 0.00016; 1000 Genomes Project 0.00020.
gnomAD v4.1: 22 of 1,610,456 alleles (0.0014%); highest among the groups gnomAD compares: Admixed American, 0.02%; no homozygotes.

Submissions (2):

Ambry Genetics
Classification: Uncertain significance for Inborn genetic diseases. Last evaluated: 2025-04-07. Review status: criteria provided, single submitter. Criteria: Ambry Variant Classification Scheme 2023. Collection method: clinical testing. Allele origin: germline.

Labcorp Genetics (formerly Invitae), Labcorp
Classification: Uncertain significance. Last evaluated: 2022-07-30. Review status: criteria provided, single submitter. Criteria: Invitae Variant Classification Sherloc (09022015). Collection method: clinical testing. Allele origin: germline.
Comment: This sequence change replaces phenylalanine, which is neutral and non-polar, with leucine, which is neutral and non-polar, at codon 13 of the PYCR1 protein (p.Phe13Leu). This variant is present in population databases (rs546125979, gnomAD 0.003%). This variant has not been reported in the literature in individuals affected with PYCR1-related conditions. Algorithms developed to predict the effect of missense changes on protein structure and function (SIFT, PolyPhen-2, Align-GVGD) all suggest that this variant is likely to be tolerated. In summary, the available evidence is currently insufficient to determine the role of this variant in disease. Therefore, it has been classified as a Variant of Uncertain Significance.